The following is an entry in ClinVar:

ClinVar aggregate classification (germline): Likely pathogenic (1 of 4 stars; one submission).

Conditions:
Intellectual disability, X-linked 49 (MRXSRC). Also called: CLCN4-related X-linked intellectual disability syndrome; RAYNAUD-CLAES SYNDROME; MRX49; CLCN4-Related Neurodevelopmental Disorder; MENTAL RETARDATION, X-LINKED 15. Identifiers: Orphanet 485350, Orphanet 777, MedGen C0796221, MONDO:0010250, OMIM 300114.

Submission:

Institute of Human Genetics, University of Leipzig Medical Center
Classification: Likely pathogenic for Intellectual disability, X-linked 49. Last evaluated: 2024-06-27. Review status: criteria provided, single submitter. Criteria: ACMG Guidelines, 2015. Collection method: clinical testing. Allele origin: unknown. Inheritance: X-linked dominant inheritance. Affected: yes.
Comment: Criteria applied: PM1,PM2,PP2,PP3

NM_001830.4(CLCN4):c.1684G>C (p.Val562Leu)

Gene: CLCN4 (Cl-/H+ antiporter 4; plus strand). Cytogenetic location: Xp22.2.
Variant type: single nucleotide variant.
Coding change: c.1684G>C on transcript NM_001830.4 (MANE Select); coding-DNA position 1684, G replaced by C.
Protein change: p.Val562Leu; replaces valine 562 with leucine.
Molecular consequence: missense variant.
Genome position (GRCh38, 1-based): chrX:10,213,788, G>C. VCF-style: chrX-10213788-G-C. GRCh37 (hg19) VCF-style: chrX-10181828-G-C.
Other names: c.1402G>C, p.Val468Leu (NM_001256944.2); short protein forms V468L, V562L.
Identifiers: ClinVar variation 3358993 (VCV003358993.2).